The following is an entry in ClinVar:

NM_005051.3(QARS1):c.495C>T (p.Ile165=)

Gene: QARS1 (glutaminyl-tRNA synthetase 1; minus strand). Cytogenetic location: 3p21.31.
Variant type: single nucleotide variant.
Coding change: c.495C>T on transcript NM_005051.3 (MANE Select); coding-DNA position 495, C replaced by T.
Protein change: p.Ile165=; no amino-acid change (isoleucine 165 retained).
Molecular consequence: synonymous variant. On other transcripts: non-coding transcript variant (1).
Genome position (GRCh38, 1-based): chr3:49,103,366, G>A on the plus strand (C>T on the coding strand, the complement: QARS1 is on the minus strand). VCF-style: chr3-49103366-G-A. GRCh37 (hg19) VCF-style: chr3-49140799-G-A.
Other names: c.462C>T, p.Ile154= (NM_001272073.2).
Identifiers: ClinVar variation 389946 (VCV000389946.9), dbSNP rs375725197, ClinGen allele CA2392142.

ClinVar aggregate classification (germline): Likely benign. Review status: criteria provided, multiple submitters, no conflicts (2 of 4 stars). 3 submissions from 3 submitters: Likely benign (3). Last evaluated 2025-02-06.

Conditions:
Diffuse cerebral and cerebellar atrophy - intractable seizures - progressive microcephaly syndrome. Also called: Microcephaly, progressive, with seizures and cerebral and cerebellar atrophy. Identifiers: Orphanet 404437, MedGen C4014239, MONDO:0014335, OMIM 615760.

Allele frequency attached by ClinVar (database versions not stated): gnomAD 0.00003; ExAC 0.00006; gnomAD exomes 0.00006; TOPMed 0.00006; ESP Exome Variant Server 0.00031.
gnomAD v4.1: 88 of 1,613,896 alleles (0.0055%); highest among the groups gnomAD compares: Non-Finnish European, 0.0072%; no homozygotes.

Submissions (3):

Labcorp Genetics (formerly Invitae), Labcorp
Classification: Likely benign for Diffuse cerebral and cerebellar atrophy - intractable seizures - progressive microcephaly syndrome. Last evaluated: 2025-02-06. Review status: criteria provided, single submitter. Criteria: Invitae Variant Classification Sherloc (09022015). Collection method: clinical testing. Allele origin: germline.

Blueprint Genetics
Classification: Likely benign. Last evaluated: 2023-09-21. Review status: criteria provided, single submitter. Criteria: ACMG Guidelines, 2015. Collection method: clinical testing. Allele origin: germline.

GeneDx
Classification: Likely benign. Last evaluated: 2017-06-06. Review status: criteria provided, single submitter. Criteria: GeneDx Variant Classification (06012015). Collection method: clinical testing. Allele origin: germline. Affected: yes.
Comment: This variant is considered likely benign or benign based on one or more of the following criteria: it is a conservative change, it occurs at a poorly conserved position in the protein, it is predicted to be benign by multiple in silico algorithms, and/or has population frequency not consistent with disease.